The following is an entry in ClinVar:

NM_003238.6(TGFB2):c.637C>T (p.His213Tyr)

Gene: TGFB2 (transforming growth factor beta 2; plus strand). Cytogenetic location: 1q41.
Variant type: single nucleotide variant.
Coding change: c.637C>T on transcript NM_003238.6 (MANE Select); coding-DNA position 637, C replaced by T.
Protein change: p.His213Tyr; replaces histidine 213 with tyrosine.
Molecular consequence: missense variant. On other transcripts: non-coding transcript variant (2).
Genome position (GRCh38, 1-based): chr1:218,434,208, C>T. VCF-style: chr1-218434208-C-T. GRCh37 (hg19) VCF-style: chr1-218607550-C-T.
Other names: c.721C>T, p.His241Tyr (NM_001135599.4); short protein forms H213Y, H241Y.
Identifiers: ClinVar variation 2501569 (VCV002501569.1), dbSNP rs1571901222, ClinGen allele CA344726696.

ClinVar aggregate classification (germline): Uncertain significance (1 of 4 stars; one submission).

Submission:

GeneDx
Classification: Uncertain significance. Last evaluated: 2022-11-08. Review status: criteria provided, single submitter. Criteria: GeneDx Variant Classification Process June 2021. Collection method: clinical testing. Allele origin: germline. Affected: yes.
Comment: Not observed at significant frequency in large population cohorts (gnomAD); In silico analysis supports that this missense variant does not alter protein structure/function; Has not been previously published as pathogenic or benign to our knowledge